The following is an entry in ClinVar:

NM_032119.4(ADGRV1):c.3578C>G (p.Pro1193Arg)

Gene: ADGRV1 (adhesion G protein-coupled receptor V1; plus strand). Cytogenetic location: 5q14.3.
Variant type: single nucleotide variant.
Coding change: c.3578C>G on transcript NM_032119.4 (MANE Select); coding-DNA position 3578, C replaced by G.
Protein change: p.Pro1193Arg; replaces proline 1193 with arginine.
Molecular consequence: missense variant. On other transcripts: non-coding transcript variant (1).
Genome position (GRCh38, 1-based): chr5:90,652,507, C>G. VCF-style: chr5-90652507-C-G. GRCh37 (hg19) VCF-style: chr5-89948324-C-G.
Other names: short protein forms P1193R.
Identifiers: ClinVar variation 1011620 (VCV001011620.8), dbSNP rs1324761019, ClinGen allele CA360397897.

ClinVar aggregate classification (germline): Uncertain significance (1 of 4 stars; one submission).

Allele frequency attached by ClinVar (database versions not stated): gnomAD exomes below 0.00001.
gnomAD v4.1: 1 of 1,613,158 alleles (0.000062%); highest among the groups gnomAD compares: Middle Eastern, 0.017%; no homozygotes.

Submission:

Labcorp Genetics (formerly Invitae), Labcorp
Classification: Uncertain significance. Last evaluated: 2022-02-11. Review status: criteria provided, single submitter. Criteria: Invitae Variant Classification Sherloc (09022015). Collection method: clinical testing. Allele origin: germline.
Comment: This variant has not been reported in the literature in individuals affected with ADGRV1-related conditions. In summary, the available evidence is currently insufficient to determine the role of this variant in disease. Therefore, it has been classified as a Variant of Uncertain Significance. Algorithms developed to predict the effect of missense changes on protein structure and function are either unavailable or do not agree on the potential impact of this missense change (SIFT: "Deleterious"; PolyPhen-2: "Probably Damaging"; Align-GVGD: "Class C0"). ClinVar contains an entry for this variant (Variation ID: 1011620). The frequency data for this variant in the population databases is considered unreliable, as metrics indicate poor data quality at this position in the gnomAD database. This sequence change replaces proline, which is neutral and non-polar, with arginine, which is basic and polar, at codon 1193 of the ADGRV1 protein (p.Pro1193Arg).